The following is an entry in ClinVar:

NM_001903.5(CTNNA1):c.1631C>T (p.Ala544Val)

Gene: CTNNA1 (catenin alpha 1; plus strand). Cytogenetic location: 5q31.2.
Variant type: single nucleotide variant.
Coding change: c.1631C>T on transcript NM_001903.5 (MANE Select); coding-DNA position 1631, C replaced by T.
Protein change: p.Ala544Val; replaces alanine 544 with valine.
Molecular consequence: missense variant.
Genome position (GRCh38, 1-based): chr5:138,924,594, C>T. VCF-style: chr5-138924594-C-T. GRCh37 (hg19) VCF-style: chr5-138260283-C-T.
Other names: c.1631C>T, p.Ala544Val (NM_001290307.3, NM_001323982.2, NM_001323983.1 and 2 more transcripts); c.1322C>T, p.Ala441Val (NM_001290309.3); c.1262C>T, p.Ala421Val (NM_001290310.3); c.521C>T, p.Ala174Val (NM_001290312.1, NM_001323987.1, NM_001323988.1 and 17 more transcripts); c.1538C>T, p.Ala513Val (NM_001323986.2); c.182C>T, p.Ala61Val (NM_001324006.1, NM_001324007.1, NM_001324008.1 and 2 more transcripts); c.428C>T, p.Ala143Val (NM_001324011.1); c.278C>T, p.Ala93Val (NM_001324012.1, NM_001324013.1); short protein forms A143V, A174V, A421V, A441V, A513V, A544V, A61V, A93V.
Identifiers: ClinVar variation 1009409 (VCV001009409.9), dbSNP rs1763607617, ClinGen allele CA361131863.

ClinVar aggregate classification (germline): Uncertain significance (1 of 4 stars; one submission).

Submission:

Labcorp Genetics (formerly Invitae), Labcorp
Classification: Uncertain significance. Last evaluated: 2020-02-06. Review status: criteria provided, single submitter. Criteria: Invitae Variant Classification Sherloc (09022015). Collection method: clinical testing. Allele origin: germline.
Comment: This sequence change replaces alanine with valine at codon 544 of the CTNNA1 protein (p.Ala544Val). The alanine residue is highly conserved and there is a small physicochemical difference between alanine and valine. This variant is not present in population databases (ExAC no frequency). This variant has not been reported in the literature in individuals with CTNNA1-related conditions. Algorithms developed to predict the effect of missense changes on protein structure and function are either unavailable or do not agree on the potential impact of this missense change (SIFT: "Deleterious"; PolyPhen-2: "Possibly Damaging"; Align-GVGD: "Class C0"). In summary, the available evidence is currently insufficient to determine the role of this variant in disease. Therefore, it has been classified as a Variant of Uncertain Significance.